The following is an entry in ClinVar:

NM_007259.5(VPS45):c.1481C>T (p.Thr494Ile)

Gene: VPS45 (vacuolar protein sorting 45 homolog; plus strand). Cytogenetic location: 1q21.2.
Variant type: single nucleotide variant.
Coding change: c.1481C>T on transcript NM_007259.5 (MANE Select); coding-DNA position 1481, C replaced by T.
Protein change: p.Thr494Ile; replaces threonine 494 with isoleucine.
Molecular consequence: missense variant. On other transcripts: non-coding transcript variant (1).
Genome position (GRCh38, 1-based): chr1:150,093,636, C>T. VCF-style: chr1-150093636-C-T. GRCh37 (hg19) VCF-style: chr1-150065732-C-T.
Other names: c.1166C>T, p.Thr389Ile (NM_001279353.2); c.1373C>T, p.Thr458Ile (NM_001279354.2); short protein forms T389I, T458I, T494I.
Identifiers: ClinVar variation 853448 (VCV000853448.10), dbSNP rs1656465946, ClinGen allele CA342257874.

ClinVar aggregate classification (germline): Uncertain significance (1 of 4 stars; one submission).

Conditions:
Congenital neutropenia-myelofibrosis-nephromegaly syndrome. Also called: Severe congenital neutropenia 5, autosomal recessive. Identifiers: Orphanet 369852, MedGen C3809031, MONDO:0014118, OMIM 615285.

Allele frequency attached by ClinVar (database versions not stated): gnomAD exomes below 0.00001.
gnomAD v4.1: 1 of 1,607,870 alleles (0.000062%); highest among the groups gnomAD compares: Non-Finnish European, 0.000085%; no homozygotes.

Submission:

Labcorp Genetics (formerly Invitae), Labcorp
Classification: Uncertain significance for Congenital neutropenia-myelofibrosis-nephromegaly syndrome. Last evaluated: 2019-12-30. Review status: criteria provided, single submitter. Criteria: Invitae Variant Classification Sherloc (09022015). Collection method: clinical testing. Allele origin: germline.
Comment: In summary, the available evidence is currently insufficient to determine the role of this variant in disease. Therefore, it has been classified as a Variant of Uncertain Significance. Algorithms developed to predict the effect of missense changes on protein structure and function (SIFT, PolyPhen-2, Align-GVGD) all suggest that this variant is likely to be tolerated, but these predictions have not been confirmed by published functional studies and their clinical significance is uncertain. This variant has not been reported in the literature in individuals with VPS45-related conditions. This variant is not present in population databases (ExAC no frequency). This sequence change replaces threonine with isoleucine at codon 494 of the VPS45 protein (p.Thr494Ile). The threonine residue is weakly conserved and there is a moderate physicochemical difference between threonine and isoleucine.